The following is an entry in ClinVar:

NM_015102.5(NPHP4):c.1867A>G (p.Thr623Ala)

Gene: NPHP4 (nephrocystin 4; minus strand). Cytogenetic location: 1p36.31.
Variant type: single nucleotide variant.
Coding change: c.1867A>G on transcript NM_015102.5 (MANE Select); coding-DNA position 1867, A replaced by G.
Protein change: p.Thr623Ala; replaces threonine 623 with alanine.
Molecular consequence: missense variant. On other transcripts: non-coding transcript variant (1).
Genome position (GRCh38, 1-based): chr1:5,905,380, T>C on the plus strand (A>G on the coding strand, the complement: NPHP4 is on the minus strand). VCF-style: chr1-5905380-T-C. GRCh37 (hg19) VCF-style: chr1-5965440-T-C.
Other names: c.1867A>G (NM_015102.3); c.328A>G, p.Thr110Ala (NM_001291593.2); c.331A>G, p.Thr111Ala (NM_001291594.2); short protein forms T623A, T110A, T111A.
Identifiers: ClinVar variation 281976 (VCV000281976.21), dbSNP rs35959882, ClinGen allele CA554344.

ClinVar aggregate classification (germline): Conflicting classifications of pathogenicity. Review status: criteria provided, conflicting classifications (1 of 4 stars). 6 submissions from 6 submitters: Uncertain significance (2); Benign (1); Likely benign (2). 1 of the submissions does not count toward it. Last evaluated 2025-12-26.

Conditions:
NPHP4-related disorder. Also called: NPHP4-related condition; NPHP4-related disorders. Identifiers: MedGen CN239384.
Nephronophthisis. Also called: Juvenile Nephronophthisis. Identifiers: Orphanet 655, MedGen C0687120, MONDO:0019005, HP:0000090.
Inborn genetic diseases. Identifiers: MedGen C0950123, MeSH D030342.

Allele frequency attached by ClinVar (database versions not stated): gnomAD exomes 0.00009 and 0.00027; ExAC 0.00037; gnomAD 0.00077 and 0.00081; TOPMed 0.00082; ESP Exome Variant Server 0.00106; 1000 Genomes Project 0.00120; 1000 Genomes Project 30x 0.00141.
gnomAD v4.1: 252 of 1,613,812 alleles (0.016%); highest among the groups gnomAD compares: African/African-American, 0.29%; 1 homozygote.

Submissions (6):

Labcorp Genetics (formerly Invitae), Labcorp
Classification: Likely benign for Nephronophthisis. Last evaluated: 2025-12-26. Review status: criteria provided, single submitter. Criteria: Invitae Variant Classification Sherloc (09022015). Collection method: clinical testing. Allele origin: germline.

Blueprint Genetics
Classification: Benign. Last evaluated: 2024-05-16. Review status: criteria provided, single submitter. Criteria: ACMG Guidelines, 2015. Collection method: clinical testing. Allele origin: germline.

GeneDx
Classification: Uncertain significance. Last evaluated: 2023-06-27. Review status: criteria provided, single submitter. Criteria: GeneDx Variant Classification Process June 2021. Collection method: clinical testing. Allele origin: germline. Affected: yes.
Comment: In silico analysis supports that this missense variant does not alter protein structure/function; Has not been previously published as pathogenic or benign to our knowledge

Ambry Genetics
Classification: Likely benign for Inborn genetic diseases. Last evaluated: 2023-01-11. Review status: criteria provided, single submitter. Criteria: Ambry Variant Classification Scheme 2023. Collection method: clinical testing. Allele origin: germline.

Eurofins Ntd Llc (ga)
Classification: Uncertain significance. Last evaluated: 2017-11-29. Review status: criteria provided, single submitter. Criteria: EGL Classification Definitions 2015. Collection method: clinical testing. Allele origin: germline. Observed: 9 variant alleles, 9 heterozygotes.

PreventionGenetics, part of Exact Sciences
Classification: Likely benign for NPHP4-related condition. Last evaluated: 2022-02-08. Review status: no assertion criteria provided. Collection method: clinical testing. Allele origin: germline. Not counted in ClinVar's aggregate classification.
Comment: This variant is classified as likely benign based on ACMG/AMP sequence variant interpretation guidelines (Richards et al. 2015 PMID: 25741868, with internal and published modifications).